The following is an entry in ClinVar:

NM_006947.4(SRP72):c.460G>A (p.Val154Ile)

Gene: SRP72 (signal recognition particle 72; plus strand). Cytogenetic location: 4q12.
Variant type: single nucleotide variant.
Coding change: c.460G>A on transcript NM_006947.4 (MANE Select); coding-DNA position 460, G replaced by A.
Protein change: p.Val154Ile; replaces valine 154 with isoleucine.
Molecular consequence: missense variant. On other transcripts: non-coding transcript variant (1).
Genome position (GRCh38, 1-based): chr4:56,474,159, G>A. VCF-style: chr4-56474159-G-A. GRCh37 (hg19) VCF-style: chr4-57340325-G-A.
Other names: c.460G>A, p.Val154Ile (NM_001267722.2); short protein forms V154I.
Identifiers: ClinVar variation 4174919 (VCV004174919.1).

ClinVar aggregate classification (germline): Uncertain significance (1 of 4 stars; one submission).

Submission:

Ambry Genetics
Classification: Uncertain significance. Last evaluated: 2025-07-03. Review status: criteria provided, single submitter. Criteria: Ambry Variant Classification Scheme 2023. Collection method: clinical testing. Allele origin: germline.
Comment: The p.V154I variant (also known as c.460G>A), located in coding exon 4 of the SRP72 gene, results from a G to A substitution at nucleotide position 460. The valine at codon 154 is replaced by isoleucine, an amino acid with highly similar properties. This amino acid position is conserved. In addition, the in silico prediction for this alteration is inconclusive. Based on the available evidence, the clinical significance of this variant remains unclear.